The following continues an entry in ClinVar:

NM_000152.5(GAA):c.546G>A (p.Thr182=)

Gene: GAA. ClinVar aggregate classification (germline): Pathogenic. Pathogenic (1).

Submissions 17 to 20 of 20:

PreventionGenetics, part of Exact Sciences
Classification: Pathogenic for GAA-related condition. Last evaluated: 2024-05-28. Review status: no assertion criteria provided. Collection method: clinical testing. Allele origin: germline. Not counted in ClinVar's aggregate classification.
Comment: The GAA c.546G>A variant is not predicted to result in an amino acid change (p.=). This variant resides at the last nucleotide of the exon and is predicted to interfere with normal splicing. The c.546G>A variant has been reported in the compound heterozygous state in several individuals with late onset Pompe disease (Hermans et al. 2004. PubMed ID: 14695532; Bali et al. 2011. PubMed ID: 21484825; Dasouki et al. 2014. PubMed ID: 25037089). Based on experimental studies, the c.546G>A variant disrupts mRNA expression in comparison to wild type and leads to skipping of exon 2 (Hermans et al. 2004. PubMed ID: 14695532; Goina et al. 2019. PubMed ID: 31301153). This variant is reported in 0.010% of alleles in individuals of East Asian descent in gnomAD. This variant has been interpreted as pathogenic or likely pathogenic by multiple submitters to ClinVar, including an expert panel. This variant is interpreted as pathogenic.

Counsyl
Classification: Likely pathogenic for Glycogen storage disease, type II. Last evaluated: 2018-06-01. Review status: no assertion criteria provided. Collection method: clinical testing. Allele origin: unknown. Not counted in ClinVar's aggregate classification.

Department of Pathology and Laboratory Medicine, Sinai Health System
Classification: Pathogenic for Glycogen storage disease, type II. Review status: no assertion criteria provided. Collection method: clinical testing. Allele origin: unknown. Affected: yes. Study: The Canadian Open Genetics Repository (COGR). Not counted in ClinVar's aggregate classification.
Comment: The GAA p.Thr182= variant was identified in 2 of 136 proband chromosomes (frequency: 0.015) from individuals or families with Glycogen-storage disease type II. Sequence variations studies were included one in silico analysis using three Splice Site Prediction (SSP) programs to evaluate the potential effect on splice sites (MaxEntScan, NNSplice and HBond). The c.546G4A mutation does not lead to an amino-acid substitution but modifies the splice donor site of exon 2 â€šÃ„ÃºACAgtgggc instead of ACGgtgggcâ€šÃ„Ã¹ (Hermans_2004, Zampieri_2011). The variant was also identified in dbSNP (ID: rs143523371) as â€šÃ„ÃºWith Likely Pathogenic alleleâ€šÃ„Ã¹; in ClinVar and Cllinvitae databases as Pathogenic by Emory Genetics and Knight Diagnostic Laboratories Oregoon Health and Sciences University. In addition, the variant was identified in the 1000 Genomes Project in 1 of 5000 chromosomes (frequency: 0.0002) and in the NHLBI GO Exome Sequencing Project in 1 of 4134 African American alleles (Freq: 0.0002). The variant was not identified in the GeneInsight-COGR, Cosmic, MutDB, databases. The variant was identified in control databases in 7 of 263174 chromosomes at a frequency of 0.000027 (Genome Aggregation Consortium Feb 27, 2017). The c.546G>A variant occurs in the last base of the exon. This position has been shown to be part of the splicing consensus sequence and variants involving this position sometimes affect splicing. In addition, 3 of 5 in silico or computational prediction software programs (SpliceSiteFinder, MaxEntScan, NNSPLICE, GeneSplicer, HumanSpliceFinder) predict a greater than 10% difference in splicing. In summary, based on the above information, this variant meets our laboratoryâ€šÃ„Ã´s criteria to be classified as pathogenic.

Dr. Peter K. Rogan Lab, Western University
No classification provided (evidence only). Condition: Clear cell carcinoma of kidney. Review status: no classification provided. Collection method: in vitro. Allele origin: not applicable. Functional consequence: retained intron. Not counted in ClinVar's aggregate classification.

Literature cited by the submitters: PubMed 39010129 (cited by Genomenon, Inc); PubMed 33202836 (cited by 3 submitters); PubMed 21484825 (cited by 8 submitters); PubMed 21984055 (cited by 4 submitters); PubMed 25037089 (cited by 6 submitters); PubMed 31301153 (cited by 3 submitters); PubMed 14695532 (cited by 8 submitters); PubMed 17576681 (cited by Labcorp Genetics (formerly Invitae), Labcorp); PubMed 9536098 (cited by Labcorp Genetics (formerly Invitae), Labcorp); PubMed 17616415 (cited by Labcorp Genetics (formerly Invitae), Labcorp); PubMed 19609281 (cited by Labcorp Genetics (formerly Invitae), Labcorp and Laboratory for Molecular Medicine, Mass General Brigham Personalized Medicine); PubMed 20202878 (cited by Labcorp Genetics (formerly Invitae), Labcorp); PubMed 21179066 (cited by Labcorp Genetics (formerly Invitae), Labcorp and Eurofins Ntd Llc (ga)); PubMed 21982629 (cited by Labcorp Genetics (formerly Invitae), Labcorp and Laboratory for Molecular Medicine, Mass General Brigham Personalized Medicine); PubMed 22196155 (cited by Labcorp Genetics (formerly Invitae), Labcorp); PubMed 34995642 (cited by Natera, Inc.); PubMed 30564623 (cited by Illumina Laboratory Services, Illumina); PubMed 1895140 (cited by Counsyl).